The following is an entry in ClinVar:

NM_000051.4(ATM):c.2133T>G (p.Asn711Lys)

Gene: ATM (ATM serine/threonine kinase; plus strand). Cytogenetic location: 11q22.3.
Variant type: single nucleotide variant.
Coding change: c.2133T>G on transcript NM_000051.4 (MANE Select); coding-DNA position 2133, T replaced by G.
Protein change: p.Asn711Lys; replaces asparagine 711 with lysine.
Molecular consequence: missense variant.
Genome position (GRCh38, 1-based): chr11:108,256,223, T>G. VCF-style: chr11-108256223-T-G. GRCh37 (hg19) VCF-style: chr11-108126950-T-G.
Other names: c.2133T>G, p.Asn711Lys (NM_001351834.2); short protein forms N711K.
Identifiers: ClinVar variation 4747182 (VCV004747182.1).
Genomic context (GRCh38, chr11:108,256,223, plus strand): 5'-ATACTAAATTATTTATGAAATATATATATTTTTATTTGTGGTTTACTTTAAGATTACAAA[T>G]TCAGAAACTCTTGTCCGGTGTTCACGTCTTTTGGTGGGTGTCCTTGGCTGCTACTGTTAC-3'
Protein context (NP_000042.3, residues 701-721): LLNNYSSEIT[Asn711Lys]SETLVRCSRL

ClinVar aggregate classification (germline): Uncertain significance (1 of 4 stars; one submission).

Conditions:
Ataxia-telangiectasia syndrome (AT). Also called: Ataxia-telangiectasia, complementation group D; AT, COMPLEMENTATION GROUP C; Ataxia-telangiectasia; Ataxia telangiectasia (A-T); LOUIS-BAR SYNDROME; Cerebello-oculocutaneous telangiectasia. Identifiers: Orphanet 100, MedGen C0004135, MONDO:0008840, OMIM 208900.

Submission:

Labcorp Genetics (formerly Invitae), Labcorp
Classification: Uncertain significance for Ataxia-telangiectasia syndrome. Last evaluated: 2025-03-20. Review status: criteria provided, single submitter. Criteria: Invitae Variant Classification Sherloc (09022015). Collection method: clinical testing. Allele origin: germline.
Comment: This sequence change replaces asparagine, which is neutral and polar, with lysine, which is basic and polar, at codon 711 of the ATM protein (p.Asn711Lys). This variant is not present in population databases (gnomAD no frequency). This variant has not been reported in the literature in individuals affected with ATM-related conditions. Invitae Evidence Modeling of protein sequence and biophysical properties (such as structural, functional, and spatial information, amino acid conservation, physicochemical variation, residue mobility, and thermodynamic stability) indicates that this missense variant is not expected to disrupt ATM protein function with a negative predictive value of 95%. In summary, the available evidence is currently insufficient to determine the role of this variant in disease. Therefore, it has been classified as a Variant of Uncertain Significance.